The following is an entry in ClinVar:

NM_001620.3(AHNAK):c.9240A>C (p.Lys3080Asn)

Gene: AHNAK (AHNAK nucleoprotein; minus strand). Cytogenetic location: 11q12.3.
Variant type: single nucleotide variant.
Coding change: c.9240A>C on transcript NM_001620.3 (MANE Select); coding-DNA position 9240, A replaced by C.
Protein change: p.Lys3080Asn; replaces lysine 3080 with asparagine.
Molecular consequence: missense variant. On other transcripts: intron variant (1).
Genome position (GRCh38, 1-based): chr11:62,525,177, T>G on the plus strand (A>C on the coding strand, the complement: AHNAK is on the minus strand). VCF-style: chr11-62525177-T-G. GRCh37 (hg19) VCF-style: chr11-62292649-T-G.
Other names: c.9240A>C, p.Lys3080Asn (NM_001346445.2, NM_001346446.2); c.342+9826A>C (NM_024060.4); short protein forms K3080N.
Identifiers: ClinVar variation 3388564 (VCV003388564.14).

ClinVar aggregate classification (germline): Likely benign (1 of 4 stars; one submission).

gnomAD v4.1: 32 of 1,599,978 alleles (0.002%); highest among the groups gnomAD compares: Middle Eastern, 0.017%; no homozygotes.

Submission:

CeGaT Center for Human Genetics Tuebingen
Classification: Likely benign. Last evaluated: 2024-09-01. Review status: criteria provided, single submitter. Criteria: CeGaT Center For Human Genetics Tuebingen Variant Classification Criteria Version 2. Collection method: clinical testing. Allele origin: germline. Affected: yes. Observed: 1 variant allele.
Comment: AHNAK: BP4